The following is an entry in ClinVar:

ClinVar aggregate classification (germline): Uncertain significance. Review status: criteria provided, multiple submitters, no conflicts (2 of 4 stars). 2 submissions from 2 submitters: Uncertain significance (2). Last evaluated 2022-12-30.

Conditions:
Epileptic encephalopathy. Identifiers: MedGen C0543888, HP:0200134.

Allele frequency attached by ClinVar (database versions not stated): gnomAD 0.00001; TOPMed 0.00001; ExAC 0.00002.
gnomAD v4.1: 8 of 1,611,580 alleles (0.0005%); highest among the groups gnomAD compares: Non-Finnish European, 0.00068%; no homozygotes.

Submissions (2):

Labcorp Genetics (formerly Invitae), Labcorp
Classification: Uncertain significance for Epileptic encephalopathy. Last evaluated: 2022-12-30. Review status: criteria provided, single submitter. Criteria: Invitae Variant Classification Sherloc (09022015). Collection method: clinical testing. Allele origin: germline.
Comment: This sequence change replaces valine, which is neutral and non-polar, with methionine, which is neutral and non-polar, at codon 844 of the FASN protein (p.Val844Met). This variant is present in population databases (rs780496197, gnomAD 0.0009%). This variant has not been reported in the literature in individuals affected with FASN-related conditions. Algorithms developed to predict the effect of missense changes on protein structure and function are either unavailable or do not agree on the potential impact of this missense change (SIFT: "Deleterious"; PolyPhen-2: "Possibly Damaging"; Align-GVGD: "Class C0"). In summary, the available evidence is currently insufficient to determine the role of this variant in disease. Therefore, it has been classified as a Variant of Uncertain Significance.

Ambry Genetics
Classification: Uncertain significance. Last evaluated: 2022-02-17. Review status: criteria provided, single submitter. Criteria: Ambry Variant Classification Scheme 2023. Collection method: clinical testing. Allele origin: germline.

NM_004104.5(FASN):c.2530G>A (p.Val844Met)

Gene: FASN (fatty acid synthase; minus strand). Cytogenetic location: 17q25.3.
Variant type: single nucleotide variant.
Coding change: c.2530G>A on transcript NM_004104.5 (MANE Select); coding-DNA position 2530, G replaced by A.
Protein change: p.Val844Met; replaces valine 844 with methionine.
Molecular consequence: missense variant.
Genome position (GRCh38, 1-based): chr17:82,088,453, C>T on the plus strand (G>A on the coding strand, the complement: FASN is on the minus strand). VCF-style: chr17-82088453-C-T. GRCh37 (hg19) VCF-style: chr17-80046329-C-T.
Other names: short protein forms V844M.
Identifiers: ClinVar variation 2277527 (VCV002277527.5), dbSNP rs780496197, ClinGen allele CA8852760.